The following is an entry in ClinVar:

ClinVar aggregate classification (germline): Likely benign (0 of 4 stars; one submission).

Conditions:
YWHAE-related disorder. Also called: YWHAE-related condition.

Allele frequency attached by ClinVar (database versions not stated): ExAC 0.00001; gnomAD exomes 0.00001; gnomAD 0.00002; TOPMed 0.00002.
gnomAD v4.1: 12 of 1,613,976 alleles (0.00074%); highest among the groups gnomAD compares: Non-Finnish European, 0.001%; no homozygotes.

Submission:

PreventionGenetics, part of Exact Sciences
Classification: Likely benign for YWHAE-related condition. Last evaluated: 2023-05-22. Review status: no assertion criteria provided. Collection method: clinical testing. Allele origin: germline.
Comment: This variant is classified as likely benign based on ACMG/AMP sequence variant interpretation guidelines (Richards et al. 2015 PMID: 25741868, with internal and published modifications).

NM_006761.5(YWHAE):c.33G>A (p.Ala11=)

Gene: YWHAE (tyrosine 3-monooxygenase/tryptophan 5-monooxygenase activation protein epsilon; minus strand). Cytogenetic location: 17p13.3.
Variant type: single nucleotide variant.
Coding change: c.33G>A on transcript NM_006761.5 (MANE Select); coding-DNA position 33, G replaced by A.
Protein change: p.Ala11=; no amino-acid change (alanine 11 retained).
Molecular consequence: synonymous variant. On other transcripts: non-coding transcript variant (1).
Genome position (GRCh38, 1-based): chr17:1,400,078, C>T on the plus strand (G>A on the coding strand, the complement: YWHAE is on the minus strand). VCF-style: chr17-1400078-C-T. GRCh37 (hg19) VCF-style: chr17-1303372-C-T.
Identifiers: ClinVar variation 3032926 (VCV003032926.2), dbSNP rs755817175, ClinGen allele CA8266315.